The following is an entry in ClinVar:

ClinVar aggregate classification (germline): Conflicting classifications of pathogenicity. Review status: criteria provided, conflicting classifications (1 of 4 stars). 3 submissions from 3 submitters: Uncertain significance (2); Likely benign (1). Last evaluated 2026-09-24.

Conditions:
ALPK3-related disorder. Also called: ALPK3-related condition.
Cardiovascular phenotype. Identifiers: MedGen CN230736.

Allele frequency attached by ClinVar (database versions not stated): ExAC 0.00002; gnomAD 0.00003; ESP Exome Variant Server 0.00008; 1000 Genomes Project 30x 0.00016; 1000 Genomes Project 0.00020.
gnomAD v4.1: 36 of 1,614,112 alleles (0.0022%); highest among the groups gnomAD compares: Non-Finnish European, 0.0031%; no homozygotes.

Submissions (3):

PreventionGenetics, part of Exact Sciences
Classification: Uncertain significance for ALPK3-related condition. Last evaluated: 2026-09-24. Review status: criteria provided, single submitter. Criteria: ACMG Guidelines, 2015. Collection method: clinical testing. Allele origin: germline.
Comment: The ALPK3 c.3265C>T variant is predicted to result in the amino acid substitution p.Pro1089Ser. To our knowledge, this variant has not been reported in the literature. This variant is reported in 0.0053% of alleles in individuals of European (Non-Finnish) descent in gnomAD. At this time, the clinical significance of this variant is uncertain due to the absence of conclusive functional and genetic evidence.

Labcorp Genetics (formerly Invitae), Labcorp
Classification: Uncertain significance. Last evaluated: 2025-11-03. Review status: criteria provided, single submitter. Criteria: Invitae Variant Classification Sherloc (09022015). Collection method: clinical testing. Allele origin: germline.
Comment: This sequence change replaces proline, which is neutral and non-polar, with serine, which is neutral and polar, at codon 1089 of the ALPK3 protein (p.Pro1089Ser). This variant is present in population databases (rs147903664, gnomAD 0.004%). This variant has not been reported in the literature in individuals affected with ALPK3-related conditions. ClinVar contains an entry for this variant (Variation ID: 1729574). Invitae Evidence Modeling of protein sequence and biophysical properties (such as structural, functional, and spatial information, amino acid conservation, physicochemical variation, residue mobility, and thermodynamic stability) indicates that this missense variant is not expected to disrupt ALPK3 protein function with a negative predictive value of 80%. In summary, the available evidence is currently insufficient to determine the role of this variant in disease. Therefore, it has been classified as a Variant of Uncertain Significance.

Ambry Genetics
Classification: Likely benign for Cardiovascular phenotype. Last evaluated: 2025-03-29. Review status: criteria provided, single submitter. Criteria: Ambry Variant Classification Scheme 2023. Collection method: clinical testing. Allele origin: germline.

NM_020778.5(ALPK3):c.2659C>T (p.Pro887Ser)

Gene: ALPK3 (alpha kinase 3; plus strand). Cytogenetic location: 15q25.3.
Variant type: single nucleotide variant.
Coding change: c.2659C>T on transcript NM_020778.5 (MANE Select); coding-DNA position 2659, C replaced by T.
Protein change: p.Pro887Ser; replaces proline 887 with serine.
Molecular consequence: missense variant.
Genome position (GRCh38, 1-based): chr15:84,857,397, C>T. VCF-style: chr15-84857397-C-T. GRCh37 (hg19) VCF-style: chr15-85400628-C-T.
Other names: short protein forms P887S.
Identifiers: ClinVar variation 1729574 (VCV001729574.9), dbSNP rs147903664, ClinGen allele CA7709466.